The following is an entry in ClinVar:

ClinVar aggregate classification (germline): Uncertain significance (1 of 4 stars; one submission).

Submission:

GeneDx
Classification: Uncertain significance. Last evaluated: 2023-02-09. Review status: criteria provided, single submitter. Criteria: GeneDx Variant Classification Process June 2021. Collection method: clinical testing. Allele origin: germline. Affected: yes.
Comment: Not observed at significant frequency in large population cohorts (gnomAD); In silico analysis supports that this missense variant does not alter protein structure/function; Has not been previously published as pathogenic or benign to our knowledge

NM_006618.5(KDM5B):c.830T>A (p.Ile277Asn)

Gene: KDM5B (lysine demethylase 5B; minus strand). Cytogenetic location: 1q32.1.
Variant type: single nucleotide variant.
Coding change: c.830T>A on transcript NM_006618.5 (MANE Select); coding-DNA position 830, T replaced by A.
Protein change: p.Ile277Asn; replaces isoleucine 277 with asparagine.
Molecular consequence: missense variant.
Genome position (GRCh38, 1-based): chr1:202,762,787, A>T on the plus strand (T>A on the coding strand, the complement: KDM5B is on the minus strand). VCF-style: chr1-202762787-A-T. GRCh37 (hg19) VCF-style: chr1-202731915-A-T.
Other names: c.938T>A, p.Ile313Asn (NM_001314042.2); c.695T>A, p.Ile232Asn (NM_001347591.2); c.815T>A, p.Ile272Asn (NM_001399817.1); short protein forms I232N, I272N, I277N, I313N.
Identifiers: ClinVar variation 2575604 (VCV002575604.1), dbSNP rs749951029, ClinGen allele CA344273720.